The following is an entry in ClinVar:

NM_001282680.3(GAPVD1):c.1251+7G>A

Gene: GAPVD1 (GTPase activating protein and VPS9 domains 1; plus strand). Cytogenetic location: 9q33.3.
Variant type: single nucleotide variant.
Coding change: c.1251+7G>A on transcript NM_001282680.3 (MANE Select); 7 bases into the intron after coding-DNA position 1251, G replaced by A.
Molecular consequence: intron variant.
Genome position (GRCh38, 1-based): chr9:125,307,554, G>A. VCF-style: chr9-125307554-G-A. GRCh37 (hg19) VCF-style: chr9-128069833-G-A.
Other names: c.1251+7G>A (NM_001354296.2, NM_001354301.2, NM_001354297.2 and 11 more transcripts).
Identifiers: ClinVar variation 3050306 (VCV003050306.2), dbSNP rs372148258, ClinGen allele CA5240113.
Genomic context (GRCh38, chr9:125,307,554, plus strand): 5'-GAAGGATTGAGCAGAACTGTGGTTTATATAACCTACAGTCAGCTTATTACTCTGGTAATG[G>A]CTTCATTGTTTAAGAGAATTTCTCGAAAGTCTTTTAGCTAAGCGTGAGCAAAAACATACA-3'

ClinVar aggregate classification (germline): Likely benign (0 of 4 stars; one submission).

Conditions:
GAPVD1-related disorder. Also called: GAPVD1-related condition.

Allele frequency attached by ClinVar (database versions not stated): gnomAD 0.00021; TOPMed 0.00024; ExAC 0.00030; ESP Exome Variant Server 0.00031; gnomAD exomes 0.00035.
gnomAD v4.1: 530 of 1,605,674 alleles (0.033%); highest among the groups gnomAD compares: Non-Finnish European, 0.044%; no homozygotes.

Submission:

PreventionGenetics, part of Exact Sciences
Classification: Likely benign for GAPVD1-related condition. Last evaluated: 2019-07-21. Review status: no assertion criteria provided. Collection method: clinical testing. Allele origin: germline.
Comment: This variant is classified as likely benign based on ACMG/AMP sequence variant interpretation guidelines (Richards et al. 2015 PMID: 25741868, with internal and published modifications).